The following is an entry in ClinVar:

NM_021927.3(GUF1):c.82C>A (p.Pro28Thr)

Genes: GUF1 (GTP binding elongation factor GUF1; plus strand), LOC129992541 (ATAC-STARR-seq lymphoblastoid silent region 15397; plus strand). Cytogenetic location: 4p12.
Variant type: single nucleotide variant.
Coding change: c.82C>A on transcript NM_021927.3 (MANE Select); coding-DNA position 82, C replaced by A.
Protein change: p.Pro28Thr; replaces proline 28 with threonine.
Molecular consequence: missense variant. On other transcripts: 5 prime UTR variant (2).
Genome position (GRCh38, 1-based): chr4:44,678,704, C>A. VCF-style: chr4-44678704-C-A. GRCh37 (hg19) VCF-style: chr4-44680721-C-A.
Other names: c.-887C>A (NM_001345867.2); c.82C>A, p.Pro28Thr (NM_001345868.2); c.-779C>A (NM_001345869.2); c.82C>A (NM_021927.2); short protein forms P28T.
Identifiers: ClinVar variation 1403484 (VCV001403484.12), dbSNP rs371867418, ClinGen allele CA2905175.

ClinVar aggregate classification (germline): Uncertain significance. Review status: criteria provided, multiple submitters, no conflicts (2 of 4 stars). 3 submissions from 3 submitters: Uncertain significance (3). Last evaluated 2026-01-22.

Conditions:
GUF1-related disorder. Also called: GUF1-related condition.

Allele frequency attached by ClinVar (database versions not stated): gnomAD exomes 0.00004; ExAC 0.00005; ESP Exome Variant Server 0.00008; TOPMed 0.00025; gnomAD 0.00027 and 0.00028; 1000 Genomes Project 30x 0.00031; 1000 Genomes Project 0.00060.
gnomAD v4.1: 57 of 1,508,042 alleles (0.0038%); highest among the groups gnomAD compares: Middle Eastern, 0.071%; no homozygotes.

Submissions (3):

PreventionGenetics, part of Exact Sciences
Classification: Uncertain significance for GUF1-related condition. Last evaluated: 2026-01-22. Review status: criteria provided, single submitter. Criteria: ACMG Guidelines, 2015. Collection method: clinical testing. Allele origin: germline.
Comment: The GUF1 c.82C>A variant is predicted to result in the amino acid substitution p.Pro28Thr. To our knowledge, this variant has not been reported in the literature. This variant is reported in 0.072% of alleles in individuals of African descent in gnomAD. Although we suspect that this variant may be benign, at this time, the clinical significance of this variant is uncertain due to the absence of conclusive functional and genetic evidence.

Ambry Genetics
Classification: Uncertain significance. Last evaluated: 2025-12-19. Review status: criteria provided, single submitter. Criteria: Ambry Variant Classification Scheme 2023. Collection method: clinical testing. Allele origin: germline.

Labcorp Genetics (formerly Invitae), Labcorp
Classification: Uncertain significance. Last evaluated: 2024-07-16. Review status: criteria provided, single submitter. Criteria: Invitae Variant Classification Sherloc (09022015). Collection method: clinical testing. Allele origin: germline.
Comment: This sequence change replaces proline, which is neutral and non-polar, with threonine, which is neutral and polar, at codon 28 of the GUF1 protein (p.Pro28Thr). This variant is present in population databases (rs371867418, gnomAD 0.07%), and has an allele count higher than expected for a pathogenic variant. This variant has not been reported in the literature in individuals affected with GUF1-related conditions. ClinVar contains an entry for this variant (Variation ID: 1403484). An algorithm developed to predict the effect of missense changes on protein structure and function (PolyPhen-2) suggests that this variant is likely to be tolerated. In summary, the available evidence is currently insufficient to determine the role of this variant in disease. Therefore, it has been classified as a Variant of Uncertain Significance.